The following is an entry in ClinVar:

ClinVar aggregate classification (germline): Uncertain significance (1 of 4 stars; one submission).

gnomAD v4.1: 2 of 1,586,170 alleles (0.00013%); highest among the groups gnomAD compares: Non-Finnish European, 0.00017%; no homozygotes.

Submission:

Labcorp Genetics (formerly Invitae), Labcorp
Classification: Uncertain significance. Last evaluated: 2026-01-27. Review status: criteria provided, single submitter. Criteria: Invitae Variant Classification Sherloc (09022015). Collection method: clinical testing. Allele origin: germline.
Comment: This sequence change replaces glutamine, which is neutral and polar, with arginine, which is basic and polar, at codon 319 of the LZTS1 protein (p.Gln319Arg). This variant is not present in population databases (gnomAD no frequency). This variant has not been reported in the literature in individuals affected with LZTS1-related conditions. Invitae Evidence Modeling of protein sequence and biophysical properties (such as structural, functional, and spatial information, amino acid conservation, physicochemical variation, residue mobility, and thermodynamic stability) has been performed for this missense variant. However, the output from this modeling did not meet the statistical confidence thresholds required to predict the impact of this variant on LZTS1 protein function. In summary, the available evidence is currently insufficient to determine the role of this variant in disease. Therefore, it has been classified as a Variant of Uncertain Significance.

NM_021020.5(LZTS1):c.956A>G (p.Gln319Arg)

Gene: LZTS1 (leucine zipper tumor suppressor 1; minus strand). Cytogenetic location: 8p21.3.
Variant type: single nucleotide variant.
Coding change: c.956A>G on transcript NM_021020.5 (MANE Select); coding-DNA position 956, A replaced by G.
Protein change: p.Gln319Arg; replaces glutamine 319 with arginine.
Molecular consequence: missense variant.
Genome position (GRCh38, 1-based): chr8:20,252,975, T>C on the plus strand (A>G on the coding strand, the complement: LZTS1 is on the minus strand). VCF-style: chr8-20252975-T-C. GRCh37 (hg19) VCF-style: chr8-20110486-T-C.
Other names: c.956A>G, p.Gln319Arg (NM_001362884.2); short protein forms Q319R.
Identifiers: ClinVar variation 4696339 (VCV004696339.1).
Genomic context (GRCh38, chr8:20,252,975, plus strand): 5'-TGAAGCTGCAGTACCTGCAGGTGCAGGACCTGCTGCGCGCGCTGGCTCTTCTGCGAGGCC[T>C]GCTTGAGCTTGTTGCCGCCTTTGGGCTCCGGGCCCTCCAGCTCGTCCCTGCAGCGCCGCG-3'
Protein context (NP_066300.1, residues 309-329): PEPKGGNKLK[Gln319Arg]ASQKSQRAQQ